The following is an entry in ClinVar:

NM_000204.5(CFI):c.1015C>T (p.Arg339Ter)

Gene: CFI (complement factor I; minus strand). Cytogenetic location: 4q25.
Variant type: single nucleotide variant.
Coding change: c.1015C>T on transcript NM_000204.5 (MANE Select); coding-DNA position 1015, C replaced by T.
Protein change: p.Arg339Ter; replaces arginine 339 with a stop codon.
Molecular consequence: nonsense. On other transcripts: non-coding transcript variant (3).
Genome position (GRCh38, 1-based): chr4:109,749,528, G>A on the plus strand (C>T on the coding strand, the complement: CFI is on the minus strand). VCF-style: chr4-109749528-G-A. GRCh37 (hg19) VCF-style: chr4-110670684-G-A.
Other names: c.1039C>T, p.Arg347Ter (NM_001318057.2, NM_001375278.1); c.994C>T, p.Arg332Ter (NM_001331035.2, NM_001375280.1, NM_001375282.1); c.1015C>T, p.Arg339Ter (NM_001375279.1, NM_001375281.1); c.958C>T, p.Arg320Ter (NM_001375283.1); c.406C>T, p.Arg136Ter (NM_001375284.1); short protein forms R136*, R320*, R332*, R339*, R347*.
Identifiers: ClinVar variation 1319494 (VCV001319494.12), dbSNP rs762761680, ClinGen allele CA3042050.

ClinVar aggregate classification (germline): Conflicting classifications of pathogenicity. Review status: criteria provided, conflicting classifications (1 of 4 stars). 4 submissions from 4 submitters: Pathogenic (2); Pathogenic, low penetrance (1); Uncertain significance (1). Last evaluated 2025-09-26.

Conditions:
CFI-related disorder. Also called: CFI-related condition; CFI-related disorders. Identifiers: MedGen CN239325.
Factor I deficiency (CFID). Also called: Complement factor I deficiency. Identifiers: Orphanet 200418, MedGen C3463916, MONDO:0012594, OMIM 610984.

Allele frequency attached by ClinVar (database versions not stated): TOPMed below 0.00001; gnomAD 0.00001; ExAC 0.00002; gnomAD exomes 0.00004.
gnomAD v4.1: 27 of 1,613,392 alleles (0.0017%); highest among the groups gnomAD compares: South Asian, 0.011%; no homozygotes.

Submissions (4):

Genomenon, Inc
Classification: Pathogenic, low penetrance for CFI-related disorder. Last evaluated: 2025-09-26. Review status: criteria provided, single submitter. Criteria: Genomenon Sequence Variant Interpretation Standards - Updated. Collection method: curation. Allele origin: germline. Affected: yes.
Comment: CFI p.Arg339Ter (c.1015C>T) is a nonsense variant that introduces a premature stop codon at amino acid position 339, creating a truncated protein that is predicted to undergo nonsense-mediated mRNA decay. This variant has been observed in at least one proband affected with complement factor I deficiency (PMID:32853637). At least one functional study has demonstrated a substantial alteration in protein function relative to the wild-type (PMID:35069568;32510551). It is absent or not present at a significant frequency in gnomAD. In conclusion, we classify CFI p.Arg339Ter (c.1015C>T) as a pathogenic, low penetrance variant.

Labcorp Genetics (formerly Invitae), Labcorp
Classification: Pathogenic. Last evaluated: 2025-07-31. Review status: criteria provided, single submitter. Criteria: Invitae Variant Classification Sherloc (09022015). Collection method: clinical testing. Allele origin: germline.
Comment: This sequence change creates a premature translational stop signal (p.Arg339*) in the CFI gene. It is expected to result in an absent or disrupted protein product. Loss-of-function variants in CFI are known to be pathogenic (PMID: 15917334, 16621965, 19065647, 20016463, 22710145). This variant is present in population databases (rs762761680, gnomAD 0.01%). This premature translational stop signal has been observed in individual(s) with complement deficiency (PMID: 31440263). ClinVar contains an entry for this variant (Variation ID: 1319494). Algorithms developed to predict the effect of sequence changes on RNA splicing suggest that this variant may disrupt the consensus splice site. For these reasons, this variant has been classified as Pathogenic.

First Genomix Gene Laboratory, Genetic Diagnostics Department
Classification: Pathogenic for Factor I deficiency. Last evaluated: 2025-03-20. Review status: criteria provided, single submitter. Criteria: ACMG Guidelines, 2015. Collection method: clinical testing. Allele origin: germline. Inheritance: Autosomal recessive inheritance. Affected: no. Observed: 1 variant allele.

Institute for Clinical Genetics, University Hospital TU Dresden, University Hospital TU Dresden
Classification: Uncertain significance. Last evaluated: 2021-11-03. Review status: criteria provided, single submitter. Criteria: ACMG Guidelines, 2015. Collection method: clinical testing. Allele origin: germline.

Literature cited by the submitters: PubMed 32853637 (cited by Genomenon, Inc); 35069568 (cited by Genomenon, Inc); 32510551 (cited by Genomenon, Inc); PubMed 15917334 (cited by Labcorp Genetics (formerly Invitae), Labcorp); PubMed 16621965 (cited by Labcorp Genetics (formerly Invitae), Labcorp); PubMed 19065647 (cited by Labcorp Genetics (formerly Invitae), Labcorp); PubMed 20016463 (cited by Labcorp Genetics (formerly Invitae), Labcorp); PubMed 22710145 (cited by Labcorp Genetics (formerly Invitae), Labcorp); PubMed 31440263 (cited by Labcorp Genetics (formerly Invitae), Labcorp).